The following is an entry in ClinVar:

NM_001177701.3(IFT27):c.450T>C (p.Phe150=)

Genes: CACNG2-DT (CACNG2 divergent transcript; plus strand), IFT27 (intraflagellar transport 27; minus strand). Cytogenetic location: 22q12.3.
Variant type: single nucleotide variant.
Coding change: c.450T>C on transcript NM_001177701.3 (MANE Select); coding-DNA position 450, T replaced by C.
Protein change: p.Phe150=; no amino-acid change (phenylalanine 150 retained).
Molecular consequence: synonymous variant.
Genome position (GRCh38, 1-based): chr22:36,762,916, A>G on the plus strand (T>C on the coding strand, the complement: IFT27 is on the minus strand). VCF-style: chr22-36762916-A-G. GRCh37 (hg19) VCF-style: chr22-37158960-A-G.
Other names: c.450T>C, p.Phe150= (NM_001363003.2); c.447T>C, p.Phe149= (NM_006860.5).
Identifiers: ClinVar variation 3354551 (VCV003354551.1).

ClinVar aggregate classification (germline): Likely benign (0 of 4 stars; one submission).

Conditions:
IFT27-related disorder. Also called: IFT27-related condition.

Submission:

PreventionGenetics, part of Exact Sciences
Classification: Likely benign for IFT27-related condition. Last evaluated: 2022-09-07. Review status: no assertion criteria provided. Collection method: clinical testing. Allele origin: germline.
Comment: This variant is classified as likely benign based on ACMG/AMP sequence variant interpretation guidelines (Richards et al. 2015 PMID: 25741868, with internal and published modifications).